The following is an entry in ClinVar:

ClinVar aggregate classification (germline): Likely pathogenic (1 of 4 stars; one submission).

Conditions:
Spermatogenic failure 18. Identifiers: MedGen C4539783, MONDO:0054615, OMIM 617576.

Allele frequency attached by ClinVar (database versions not stated): gnomAD exomes below 0.00001; ExAC 0.00001; gnomAD 0.00001.
gnomAD v4.1: 3 of 1,614,086 alleles (0.00019%); highest among the groups gnomAD compares: East Asian, 0.0067%; no homozygotes.

Submission:

Institute of Reproductive and Stem Cell Engineering, Central South University
Classification: Likely pathogenic for Spermatogenic failure 18. Last evaluated: 2023-10-24. Review status: criteria provided, single submitter. Criteria: Tu et al. (Clin Genet. 2020). Collection method: research. Allele origin: inherited. Inheritance: Autosomal recessive inheritance. Affected: yes. Observed: 1 compound heterozygote.
Comment: The DNAH3 variant (Phe2325Leu) was shown to be highly conserved across multiple species and recorded as rare and predicted to be deleterious via in silico bioinformatics databases. Three-dimensional modelling of the DNAH3 protein showed that this mutation disrupted hydrogen bonds and altered the distance between atoms of adjacent amino acids, which is likely to disrupt protein stability and function. In addition, the two Dnah3 knockout mice lines generated in our experiments recapitulated asthenoteratozoospermia similar to the patient. In summary, the variant (Phe2325Leu) meets our criteria to be classifiedas likely pathogenic based upon segregation studies, bioinformatics prediction in silico, and functional experiment evidence.

NM_001347886.2(DNAH3):c.6835T>C (p.Phe2279Leu)

Gene: DNAH3 (dynein axonemal heavy chain 3; minus strand). Cytogenetic location: 16p12.3.
Variant type: single nucleotide variant.
Coding change: c.6835T>C on transcript NM_001347886.2 (MANE Select); coding-DNA position 6835, T replaced by C.
Protein change: p.Phe2279Leu; replaces phenylalanine 2279 with leucine.
Molecular consequence: missense variant.
Genome position (GRCh38, 1-based): chr16:20,987,358, A>G on the plus strand (T>C on the coding strand, the complement: DNAH3 is on the minus strand). VCF-style: chr16-20987358-A-G. GRCh37 (hg19) VCF-style: chr16-20998680-A-G.
Other names: c.6973T>C, p.Phe2325Leu (NM_017539.2); short protein forms F2279L, F2325L.
Identifiers: ClinVar variation 2627628 (VCV002627628.2), dbSNP rs748305297, ClinGen allele CA7946929.